The following is an entry in ClinVar:

ClinVar aggregate classification (germline): Conflicting classifications of pathogenicity. Review status: criteria provided, conflicting classifications (1 of 4 stars). 8 submissions from 8 submitters: Uncertain significance (4); Benign (1); Likely benign (1). 2 of the submissions do not count toward it. Last evaluated 2025-10-17.

Conditions:
Inborn genetic diseases. Identifiers: MedGen C0950123, MeSH D030342.
BBS12-related disorder. Also called: BBS12-related condition.
Bardet-Biedl syndrome (BBS). Identifiers: Orphanet 110, MedGen C0752166, MONDO:0015229.
Bardet-Biedl syndrome 12 (BBS12). Identifiers: Orphanet 110, MedGen C1859570, MONDO:0014440, OMIM 615989.

Allele frequency attached by ClinVar (database versions not stated): ESP Exome Variant Server 0.00038; TOPMed 0.00041; 1000 Genomes Project 0.00140; 1000 Genomes Project 30x 0.00141; gnomAD exomes 0.00006.
gnomAD v4.1: 146 of 1,614,142 alleles (0.009%); highest among the groups gnomAD compares: African/African-American, 0.12%; no homozygotes.

Submissions (8):

Mayo Clinic Laboratories, Mayo Clinic
Classification: Likely benign. Last evaluated: 2025-10-17. Review status: criteria provided, single submitter. Criteria: ACMG Guidelines, 2015. Collection method: clinical testing. Allele origin: germline. Observed: 1 variant allele.
Comment: BS1, BP4_moderate

Labcorp Genetics (formerly Invitae), Labcorp
Classification: Uncertain significance for Bardet-Biedl syndrome. Last evaluated: 2024-11-11. Review status: criteria provided, single submitter. Criteria: Invitae Variant Classification Sherloc (09022015). Collection method: clinical testing. Allele origin: germline.
Comment: This sequence change replaces alanine, which is neutral and non-polar, with threonine, which is neutral and polar, at codon 489 of the BBS12 protein (p.Ala489Thr). This variant is present in population databases (rs145489987, gnomAD 0.1%). This variant has not been reported in the literature in individuals affected with BBS12-related conditions. ClinVar contains an entry for this variant (Variation ID: 837845). An algorithm developed to predict the effect of missense changes on protein structure and function outputs the following: PolyPhen-2: "Benign". The threonine amino acid residue is found in multiple mammalian species, which suggests that this missense change does not adversely affect protein function. In summary, the available evidence is currently insufficient to determine the role of this variant in disease. Therefore, it has been classified as a Variant of Uncertain Significance.

Ambry Genetics
Classification: Uncertain significance for Inborn genetic diseases. Last evaluated: 2024-09-11. Review status: criteria provided, single submitter. Criteria: Ambry Variant Classification Scheme 2023. Collection method: clinical testing. Allele origin: germline.

Blueprint Genetics
Classification: Benign. Last evaluated: 2024-02-09. Review status: criteria provided, single submitter. Criteria: ACMG Guidelines, 2015. Collection method: clinical testing. Allele origin: germline.

Fulgent Genetics
Classification: Uncertain significance for Bardet-Biedl syndrome 12. Last evaluated: 2024-01-13. Review status: criteria provided, single submitter. Criteria: ACMG Guidelines, 2015. Collection method: clinical testing. Allele origin: germline.

New York Genome Center
Classification: Uncertain significance for Bardet-Biedl syndrome 12. Last evaluated: 2022-03-29. Review status: criteria provided, single submitter. Criteria: NYGC Assertion Criteria 2020. Collection method: clinical testing. Allele origin: germline. Observed: 1 heterozygote.

PreventionGenetics, part of Exact Sciences
Classification: Uncertain significance for BBS12-related condition. Last evaluated: 2024-06-17. Review status: no assertion criteria provided. Collection method: clinical testing. Allele origin: germline. Not counted in ClinVar's aggregate classification.
Comment: The BBS12 c.1465G>A variant is predicted to result in the amino acid substitution p.Ala489Thr. To our knowledge, this variant has not been reported in the literature. This variant is reported in 0.11% of alleles in individuals of African descent in gnomAD, which may be too common to be a primary cause of disease. Although we suspect that this variant may be benign, at this time, the clinical significance of this variant is uncertain due to the absence of conclusive functional and genetic evidence.

Natera, Inc.
Classification: Uncertain significance for Bardet-Biedl syndrome type 12. Last evaluated: 2020-01-24. Review status: no assertion criteria provided. Collection method: clinical testing. Allele origin: germline. Not counted in ClinVar's aggregate classification.

NM_152618.3(BBS12):c.1465G>A (p.Ala489Thr)

Gene: BBS12 (Bardet-Biedl syndrome 12; plus strand). Cytogenetic location: 4q27.
Variant type: single nucleotide variant.
Coding change: c.1465G>A on transcript NM_152618.3 (MANE Select); coding-DNA position 1465, G replaced by A.
Protein change: p.Ala489Thr; replaces alanine 489 with threonine.
Molecular consequence: missense variant.
Genome position (GRCh38, 1-based): chr4:122,743,357, G>A. VCF-style: chr4-122743357-G-A. GRCh37 (hg19) VCF-style: chr4-123664512-G-A.
Other names: p.Ala489Thr; c.1465G>A, p.Ala489Thr (NM_001178007.2); short protein forms A489T.
Identifiers: ClinVar variation 837845 (VCV000837845.15), dbSNP rs145489987, ClinGen allele CA3069454.